The following is an entry in ClinVar:

NM_080860.4(RSPH1):c.308G>A (p.Gly103Asp)

Gene: RSPH1 (radial spoke head component 1; minus strand). Cytogenetic location: 21q22.3.
Variant type: single nucleotide variant.
Coding change: c.308G>A on transcript NM_080860.4 (MANE Select); coding-DNA position 308, G replaced by A.
Protein change: p.Gly103Asp; replaces glycine 103 with aspartic acid.
Molecular consequence: missense variant.
Genome position (GRCh38, 1-based): chr21:42,486,428, C>T on the plus strand (G>A on the coding strand, the complement: RSPH1 is on the minus strand). VCF-style: chr21-42486428-C-T. GRCh37 (hg19) VCF-style: chr21-43906538-C-T.
Other names: c.194G>A, p.Gly65Asp (NM_001286506.2); c.308G>A (NM_080860.3); short protein forms G103D, G65D.
Identifiers: ClinVar variation 66991 (VCV000066991.3), dbSNP rs587777060, ClinGen allele CA144913.

ClinVar aggregate classification (germline): Uncertain significance. Review status: criteria provided, multiple submitters, no conflicts (2 of 4 stars). 3 submissions from 3 submitters: Uncertain significance (2). 1 of the submissions does not count toward it. Last evaluated 2024-11-08.

Conditions:
Primary ciliary dyskinesia 24 (CILD24). Also called: CILIARY DYSKINESIA, PRIMARY, 24, WITHOUT SITUS INVERSUS. Identifiers: Orphanet 244, MedGen C3809634, MONDO:0014202, OMIM 615481.
RSPH1-related disorder. Also called: RSPH1-related condition.

Allele frequency attached by ClinVar (database versions not stated): gnomAD exomes 0.00001; ExAC 0.00002; TOPMed below 0.00001; gnomAD 0.00001.
gnomAD v4.1: 14 of 1,613,964 alleles (0.00087%); highest among the groups gnomAD compares: Non-Finnish European, 0.0012%; no homozygotes.

Submissions (3):

Blueprint Genetics
Classification: Uncertain significance. Last evaluated: 2024-11-08. Review status: criteria provided, single submitter. Criteria: ACMG Guidelines, 2015. Collection method: clinical testing. Allele origin: germline.

PreventionGenetics, part of Exact Sciences
Classification: Uncertain significance for RSPH1-related condition. Last evaluated: 2023-09-08. Review status: criteria provided, single submitter. Criteria: ACMG Guidelines, 2015. Collection method: clinical testing. Allele origin: germline.
Comment: The RSPH1 c.308G>A variant is predicted to result in the amino acid substitution p.Gly103Asp. This variant was reported, along with another RSPH1 variant, in an individual with primary ciliary dyskinesia with central-complex defects (Individual DCP729 in both Kott et al. 2013. PubMed ID: 23993197 and Blanchon et al. 2019. PubMed ID: 31772028). This variant is reported in 0.0018% of alleles in individuals of European (Non-Finnish) descent in gnomAD. At this time, the clinical significance of this variant is uncertain due to the absence of conclusive functional and genetic evidence.

OMIM
Classification: Pathogenic for CILIARY DYSKINESIA, PRIMARY, 24, WITHOUT SITUS INVERSUS. Last evaluated: 2013-09-05. Review status: no assertion criteria provided. Collection method: literature only. Allele origin: germline. Not counted in ClinVar's aggregate classification.

Literature cited by the submitters: PubMed 23993197 (cited by OMIM).